The following is an entry in ClinVar:

ClinVar aggregate classification (germline): Uncertain significance (1 of 4 stars; one submission).

Conditions:
Cardiomyopathy (CMYO). Also called: Cardiomyopathies. Identifiers: Orphanet 167848, MedGen C0878544, MONDO:0004994, HP:0001638. Inheritance: Various modes of inheritance.

Submission:

Color Diagnostics, LLC DBA Color Health
Classification: Uncertain significance for Cardiomyopathy. Last evaluated: 2025-07-07. Review status: criteria provided, single submitter. Criteria: ACMG Guidelines, 2015. Collection method: clinical testing. Allele origin: germline.
Comment: This missense variant replaces arginine with threonine at codon 427 of the DSG2 protein. Computational prediction suggests that this variant may not impact protein structure and function. To our knowledge, functional studies have not been reported for this variant. This variant has not been reported in individuals affected with DSG2-related disorders in the literature. This variant has not been identified in the general population by the Genome Aggregation Database (gnomAD). The available evidence is insufficient to determine the role of this variant in disease conclusively. Therefore, this variant is classified as a Variant of Uncertain Significance.

NM_001943.5(DSG2):c.1280G>C (p.Arg427Thr)

Gene: DSG2 (desmoglein 2; plus strand). Cytogenetic location: 18q12.1.
Variant type: single nucleotide variant.
Coding change: c.1280G>C on transcript NM_001943.5 (MANE Select); coding-DNA position 1280, G replaced by C.
Protein change: p.Arg427Thr; replaces arginine 427 with threonine.
Molecular consequence: missense variant.
Genome position (GRCh38, 1-based): chr18:31,531,252, G>C. VCF-style: chr18-31531252-G-C. GRCh37 (hg19) VCF-style: chr18-29111215-G-C.
Other names: short protein forms R427T.
Identifiers: ClinVar variation 4757467 (VCV004757467.1).